The following is an entry in ClinVar:

NM_002204.4(ITGA3):c.2070+1G>A

Gene: ITGA3 (integrin subunit alpha 3; plus strand). Cytogenetic location: 17q21.33.
Variant type: single nucleotide variant.
Coding change: c.2070+1G>A on transcript NM_002204.4 (MANE Select); the canonical splice donor site of the intron after coding-DNA position 2070, G replaced by A.
Molecular consequence: splice donor variant.
Genome position (GRCh38, 1-based): chr17:50,077,122, G>A. VCF-style: chr17-50077122-G-A. GRCh37 (hg19) VCF-style: chr17-48154486-G-A.
Identifiers: ClinVar variation 209163 (VCV000209163.3), dbSNP rs797045048, ClinGen allele CA250360.
Genomic context (GRCh38, chr17:50,077,122, plus strand): 5'-CACGAGGCGCTGCTCACCCTGGTGGTGCCTCCCGCCCTGCTGCTGTCCTCAGTGCGCCCC[G>A]TGAGTGCCCGCCGGCCGGCTCAGAGCCCAAGCAGGGCTCCCCGCGTCTTTGCATCCCCAT-3'

ClinVar aggregate classification (germline): Pathogenic. Review status: criteria provided, multiple submitters, no conflicts (2 of 4 stars). 2 submissions from 2 submitters: Pathogenic (2). Last evaluated 2024-01-01.

Conditions:
Epidermolysis bullosa, junctional 7, with interstitial lung disease and nephrotic syndrome. Also called: Interstitial Lung Disease with Nephrotic Syndrome and Epidermolysis Bullosa; Interstitial lung disease, nephrotic syndrome, and epidermolysis bullosa, congenital. Identifiers: Orphanet 306504, MedGen C4518785, MONDO:0013881, OMIM 614748.

Allele frequency attached by ClinVar (database versions not stated): gnomAD exomes below 0.00001.

Submissions (2):

Daryl Scott Lab, Baylor College of Medicine
Classification: Pathogenic for Epidermolysis bullosa, junctional 7, with interstitial lung disease and nephrotic syndrome. Last evaluated: 2024-01-01. Review status: criteria provided, single submitter. Criteria: ACMG Guidelines, 2015. Collection method: clinical testing. Allele origin: paternal. Observed: 1 heterozygote.
Comment: PVS1, PM2

Baylor Genetics
Classification: Pathogenic for Interstitial lung disease, nephrotic syndrome, and epidermolysis bullosa, congenital. Last evaluated: 2014-11-04. Review status: criteria provided, single submitter. Criteria: Yang et al. 2013. Collection method: clinical testing. Allele origin: paternal. Inheritance: Autosomal recessive inheritance. Affected: yes. Observed: 1 variant allele, 1 compound heterozygote. Study: Adult_WES.

Literature cited by the submitters: PubMed 26633545 (cited by Baylor Genetics).